The following is an entry in ClinVar:

NM_177438.3(DICER1):c.4901T>C (p.Leu1634Ser)

Gene: DICER1 (dicer 1, ribonuclease III; minus strand). Cytogenetic location: 14q32.13.
Variant type: single nucleotide variant.
Coding change: c.4901T>C on transcript NM_177438.3 (MANE Select); coding-DNA position 4901, T replaced by C.
Protein change: p.Leu1634Ser; replaces leucine 1634 with serine.
Molecular consequence: missense variant.
Genome position (GRCh38, 1-based): chr14:95,096,019, A>G on the plus strand (T>C on the coding strand, the complement: DICER1 is on the minus strand). VCF-style: chr14-95096019-A-G. GRCh37 (hg19) VCF-style: chr14-95562356-A-G.
Other names: c.4901T>C, p.Leu1634Ser (NM_001195573.1, NM_001271282.3, NM_001291628.2 and 1 more transcripts); short protein forms L1634S.
Identifiers: ClinVar variation 242126 (VCV000242126.24), dbSNP rs149723645, ClinGen allele CA7330774.

ClinVar aggregate classification (germline): Conflicting classifications of pathogenicity. Review status: criteria provided, conflicting classifications (1 of 4 stars). 8 submissions from 8 submitters: Uncertain significance (4); Likely benign (3). 1 of the submissions does not count toward it. Last evaluated 2026-01-19.

Conditions:
DICER1-related disorder. Also called: DICER1-related condition.
Euthyroid goiter (MNG1). Also called: GOITER, NONTOXIC, WITH INTRATHYROIDAL CALCIFICATION; Goiter, multinodular 1, with or without Sertoli-Leydig cell tumors; SIMPLE GOITER; MULTINODULAR GOITER, ADOLESCENT. Identifiers: Orphanet 276399, MedGen C0302859, MONDO:0007681, OMIM 138800, HP:0009798.
Pleuropulmonary blastoma (PPB). Identifiers: Orphanet 64742, MedGen C1266144, MONDO:0011014, OMIM 601200, HP:0100528.
Rhabdomyosarcoma, embryonal, 2 (RMSE2). Identifiers: MedGen C1867234, MONDO:0859046, OMIM 180295.
Global developmental delay - lung cysts - overgrowth - Wilms tumor syndrome. Also called: GLOBAL DEVELOPMENTAL DELAY, LUNG CYSTS, OVERGROWTH, AND WILMS TUMOR; GLOW Syndrome. Identifiers: Orphanet 404476, MedGen C4748924, MONDO:0018445, OMIM 618272.
DICER1-related tumor predisposition. Also called: DICER1 syndrome; DICER1-related pleuropulmonary blastoma cancer predisposition syndrome. Identifiers: Orphanet 284343, MedGen C3839822, MONDO:0100216.
Hereditary cancer-predisposing syndrome. Also called: Tumor predisposition; Neoplastic Syndromes, Hereditary; Hereditary Cancer Syndrome; Hereditary neoplastic syndrome. Identifiers: Orphanet 140162, MedGen C0027672, MeSH D009386, MONDO:0015356.

Allele frequency attached by ClinVar (database versions not stated): ESP Exome Variant Server 0.00008; 1000 Genomes Project 30x 0.00016; gnomAD 0.00020 and 0.00021; ExAC 0.00012; gnomAD exomes 0.00014 and 0.00009; TOPMed 0.00002; 1000 Genomes Project 0.00020.
gnomAD v4.1: 158 of 1,614,250 alleles (0.0098%); highest among the groups gnomAD compares: Non-Finnish European, 0.0054%; no homozygotes.

Submissions (8):

Labcorp Genetics (formerly Invitae), Labcorp
Classification: Likely benign for DICER1-related tumor predisposition. Last evaluated: 2026-01-19. Review status: criteria provided, single submitter. Criteria: Invitae Variant Classification Sherloc (09022015). Collection method: clinical testing. Allele origin: germline.

Center for Genomic Medicine, Rigshospitalet, Copenhagen University Hospital
Classification: Uncertain significance. Last evaluated: 2025-03-04. Review status: criteria provided, single submitter. Criteria: ACMG Guidelines, 2015. Collection method: clinical testing. Allele origin: germline.

Quest Diagnostics Nichols Institute San Juan Capistrano
Classification: Likely benign. Last evaluated: 2025-01-31. Review status: criteria provided, single submitter. Criteria: Quest Diagnostics criteria. Collection method: clinical testing. Allele origin: unknown.

Fulgent Genetics
Classification: Uncertain significance for Euthyroid goiter; Rhabdomyosarcoma, embryonal, 2; Pleuropulmonary blastoma; Global developmental delay - lung cysts - overgrowth - Wilms tumor syndrome. Last evaluated: 2024-05-04. Review status: criteria provided, single submitter. Criteria: ACMG Guidelines, 2015. Collection method: clinical testing. Allele origin: germline.

Ambry Genetics
Classification: Uncertain significance for Hereditary cancer-predisposing syndrome. Last evaluated: 2024-02-05. Review status: criteria provided, single submitter. Criteria: Ambry Variant Classification Scheme 2023. Collection method: clinical testing. Allele origin: germline.
Comment: The p.L1634S variant (also known as c.4901T>C), located in coding exon 22 of the DICER1 gene, results from a T to C substitution at nucleotide position 4901. The leucine at codon 1634 is replaced by serine, an amino acid with dissimilar properties. This amino acid position is poorly conserved in available vertebrate species. In addition, this alteration is predicted to be tolerated by in silico analysis. Since supporting evidence is limited at this time, the clinical significance of this alteration remains unclear.

GeneDx
Classification: Uncertain significance. Last evaluated: 2024-01-29. Review status: criteria provided, single submitter. Criteria: GeneDx Variant Classification Process June 2021. Collection method: clinical testing. Allele origin: germline.
Comment: In silico analysis supports that this missense variant does not alter protein structure/function; Has not been previously published as pathogenic or benign to our knowledge

Sema4
Classification: Likely benign for Hereditary cancer-predisposing syndrome. Last evaluated: 2021-08-18. Review status: criteria provided, single submitter. Criteria: Sema4 Curation Guidelines. Collection method: curation. Allele origin: germline.

PreventionGenetics, part of Exact Sciences
Classification: Likely benign for DICER1-related condition. Last evaluated: 2023-01-27. Review status: no assertion criteria provided. Collection method: clinical testing. Allele origin: germline. Not counted in ClinVar's aggregate classification.
Comment: This variant is classified as likely benign based on ACMG/AMP sequence variant interpretation guidelines (Richards et al. 2015 PMID: 25741868, with internal and published modifications).